The following is an entry in ClinVar:

NM_078480.3(PUF60):c.698_699del (p.Val233fs)

Gene: PUF60 (poly(U) binding splicing factor 60; minus strand). Cytogenetic location: 8q24.3.
Variant type: Microsatellite.
Coding change: c.698_699del on transcript NM_078480.3 (MANE Select); coding-DNA positions 698 to 699, 2 bases deleted (TG; older notation c.698_699delTG).
Protein change: p.Val233fs; shifts the reading frame from valine 233.
Molecular consequence: frameshift variant.
Genome position (GRCh38, 1-based): chr8:143,817,980-143,817,981, CA deleted on the plus strand (TG on the coding strand, the reverse complement: PUF60 is on the minus strand); deleting any 2 consecutive bases within chr8:143,817,980-143,817,983 gives the same sequence; the c. name uses the placement nearest the transcript's 3' end. VCF-style (leftmost placement, unchanged base first): chr8-143817979-GCA-G. GRCh37 (hg19) VCF-style: chr8-144900149-GCA-G.
Other names: c.569_570del, p.Val190fs (NM_001136033.3); c.644_645del, p.Val215fs (NM_001271096.2); c.560_561del, p.Val187fs (NM_001271097.2); c.695_696del, p.Val232fs (NM_001271098.2); c.611_612del, p.Val204fs (NM_001271099.2); c.518_519del, p.Val173fs (NM_001271100.2); c.809_810del, p.Val270fs (NM_001362895.2, NM_001362896.2); c.758_759del, p.Val253fs (NM_001362897.2); and 1 more; short protein forms V173fs, V187fs, V190fs, V204fs, V215fs, V216fs, V232fs, V233fs.
Identifiers: ClinVar variation 4856053 (VCV004856053.1).

ClinVar aggregate classification (germline): Pathogenic (1 of 4 stars; one submission).

Conditions:
8q24.3 microdeletion syndrome. Also called: CHROMOSOME 8q24.3 DELETION SYNDROME; Verheij syndrome. Identifiers: Orphanet 508488, MedGen C3810023, MONDO:0014263, OMIM 615583.

Submission:

3billion
Classification: Pathogenic for 8q24.3 microdeletion syndrome. Last evaluated: 2026-01-16. Review status: criteria provided, single submitter. Criteria: ACMG Guidelines, 2015. Collection method: clinical testing. Allele origin: germline. Affected: yes.
Comment: The variant is not observed in the gnomAD v4.1.0 dataset. Predicted Consequence/Location: Frameshift: predicted to result in a loss or disruption of normal protein function through nonsense-mediated decay (NMD) or protein truncation. Multiple pathogenic variants are reported downstream of the variant. The variant has been previously reported as de novo in a similarly affected individual (PMID: 28990276). The variant has been reported to be associated with PUF60-related disorder (PMID: 28990276). Therefore, this variant is classified as Pathogenic according to the recommendation of ACMG/AMP guideline.

Literature cited by the submitters: PubMed 28990276.